The following is an entry in ClinVar:

NM_003680.4(YARS1):c.58-7A>T

Gene: YARS1 (tyrosyl-tRNA synthetase 1; minus strand). Cytogenetic location: 1p35.1.
Variant type: single nucleotide variant.
Coding change: c.58-7A>T on transcript NM_003680.4 (MANE Select); 7 bases into the intron before coding-DNA position 58, A replaced by T.
Molecular consequence: intron variant.
Genome position (GRCh38, 1-based): chr1:32,811,064, T>A on the plus strand (A>T on the coding strand, the complement: YARS1 is on the minus strand). VCF-style: chr1-32811064-T-A. GRCh37 (hg19) VCF-style: chr1-33276665-T-A.
Other names: c.58-7A>T (NM_003680.3).
Identifiers: ClinVar variation 1120963 (VCV001120963.10), dbSNP rs376765281, ClinGen allele CA745294.

ClinVar aggregate classification (germline): Likely benign. Review status: criteria provided, multiple submitters, no conflicts (2 of 4 stars). 2 submissions from 2 submitters: Likely benign (2). Last evaluated 2026-02-05.

Conditions:
YARS1-related disorder. Also called: YARS1-related condition.
Charcot-Marie-Tooth disease dominant intermediate C (CMTDIC). Also called: CHARCOT-MARIE-TOOTH NEUROPATHY, DOMINANT INTERMEDIATE C. Identifiers: Orphanet 100045, MedGen C1842237, MONDO:0012012, OMIM 608323.

Allele frequency attached by ClinVar (database versions not stated): gnomAD exomes 0.00001 and 0.00003; ExAC 0.00004; ESP Exome Variant Server 0.00008; gnomAD 0.00010 and 0.00012; TOPMed 0.00011.
gnomAD v4.1: 36 of 1,613,988 alleles (0.0022%); highest among the groups gnomAD compares: African/African-American, 0.036%; no homozygotes.

Submissions (2):

PreventionGenetics, part of Exact Sciences
Classification: Likely benign for YARS1-related condition. Last evaluated: 2026-02-05. Review status: criteria provided, single submitter. Criteria: ACMG Guidelines, 2015. Collection method: clinical testing. Allele origin: germline.
Comment: This variant is classified as likely benign based on ACMG/AMP sequence variant interpretation guidelines (Richards et al. 2015 PMID: 25741868, with internal and published modifications).

Labcorp Genetics (formerly Invitae), Labcorp
Classification: Likely benign for Charcot-Marie-Tooth disease dominant intermediate C. Last evaluated: 2024-10-30. Review status: criteria provided, single submitter. Criteria: Invitae Variant Classification Sherloc (09022015). Collection method: clinical testing. Allele origin: germline.